The following is an entry in ClinVar:

NM_003051.4(SLC16A1):c.202dup (p.Val68fs)

Gene: SLC16A1 (solute carrier family 16 member 1; minus strand). Cytogenetic location: 1p13.2.
Variant type: Duplication.
Coding change: c.202dup on transcript NM_003051.4 (MANE Select); coding-DNA position 202, one base duplicated (G; older notation c.202dupG).
Protein change: p.Val68fs; shifts the reading frame from valine 68.
Molecular consequence: frameshift variant.
Genome position (GRCh38, 1-based): chr1:112,929,107, C duplicated on the plus strand (G on the coding strand, the reverse complement: SLC16A1 is on the minus strand). VCF-style (leftmost placement, unchanged base first): chr1-112929106-A-AC. GRCh37 (hg19) VCF-style: chr1-113471728-A-AC.
Other names: c.202dup, p.Val68fs (NM_001166496.2); c.202dupG (NM_003051.4); short protein forms V68fs.
Identifiers: ClinVar variation 3242581 (VCV003242581.2), dbSNP rs1383418191.

ClinVar aggregate classification (germline): Pathogenic (1 of 4 stars; one submission).

Conditions:
SLC16A1-related disorder. Also called: SLC16A1-related condition; SLC16A1-related disorders.

Allele frequency attached by ClinVar (database versions not stated): TOPMed below 0.00001.

Submission:

Women's Health and Genetics/Laboratory Corporation of America, LabCorp
Classification: Pathogenic for SLC16A1 Related Disorders. Last evaluated: 2024-03-08. Review status: criteria provided, single submitter. Criteria: LabCorp Variant Classification Summary - May 2015. Collection method: clinical testing. Allele origin: germline.
Comment: Variant summary: SLC16A1 c.202dupG (p.Val68GlyfsX15) results in a premature termination codon, predicted to cause a truncation of the encoded protein or absence of the protein due to nonsense mediated decay, which are commonly known mechanisms for disease. The variant was absent in 250310 control chromosomes. To our knowledge, no occurrence of c.202dupG in individuals affected with SLC16A1 Related Disorders and no experimental evidence demonstrating its impact on protein function have been reported. No submitters have cited clinical-significance assessments for this variant to ClinVar. Based on the evidence outlined above, the variant was classified as pathogenic.